The following is an entry in ClinVar:

NM_001278116.2(L1CAM):c.3671C>T (p.Ser1224Leu)

Gene: L1CAM (L1 cell adhesion molecule; minus strand). Cytogenetic location: Xq28.
Variant type: single nucleotide variant.
Coding change: c.3671C>T on transcript NM_001278116.2 (MANE Select); coding-DNA position 3671, C replaced by T.
Protein change: p.Ser1224Leu; replaces serine 1224 with leucine.
Molecular consequence: missense variant.
Genome position (GRCh38, 1-based): chrX:153,862,766, G>A on the plus strand (C>T on the coding strand, the complement: L1CAM is on the minus strand). VCF-style: chrX-153862766-G-A. GRCh37 (hg19) VCF-style: chrX-153128221-G-A.
Other names: c.3671C>T (NM_000425.4); c.3671C>T, p.Ser1224Leu (NM_000425.5); c.3644C>T, p.Ser1215Leu (NM_001143963.2); c.3659C>T, p.Ser1220Leu (NM_024003.3); short protein forms S1215L, S1220L, S1224L.
Identifiers: ClinVar variation 1697985 (VCV001697985.7), dbSNP rs2148491960, ClinGen allele CA415106498.
Genomic context (GRCh38, chrX:153,862,766, plus strand): 5'-GAGCTGTCATTGCCCCCTGCCGCCTCCTTCTCCTTCTTGCCACTGTACTGGCCAATGAAC[G>A]AACCATCCTCGTTGAACTGAACATCCACGCTGCCCCCATAATCGGCCAGGCTGTCGTCAC-3'
Protein context (NP_001265045.1, residues 1214-1234): SVDVQFNEDG[Ser1224Leu]FIGQYSGKKE

ClinVar aggregate classification (germline): Pathogenic/Likely pathogenic. Review status: criteria provided, multiple submitters, no conflicts (2 of 4 stars). 4 submissions from 4 submitters: Pathogenic (1); Likely pathogenic (3). Last evaluated 2026-04-07.

Conditions:
L1CAM-related disorder. Also called: L1CAM-related condition.
Inborn genetic diseases. Identifiers: MedGen C0950123, MeSH D030342.
L1 syndrome. Identifiers: Orphanet 275543, MedGen C5779710, MONDO:0017140.

Submissions (4):

Ambry Genetics
Classification: Likely pathogenic for Inborn genetic diseases. Last evaluated: 2026-04-07. Review status: criteria provided, single submitter. Criteria: Ambry Variant Classification Scheme 2023. Collection method: clinical testing. Allele origin: germline.
Comment: The c.3671C>T (p.S1224L) alteration is located in exon 28 (coding exon 28) of the L1CAM gene. This alteration results from a C to T substitution at nucleotide position 3671, causing the serine (S) at amino acid position 1224 to be replaced by a leucine (L). This variant was not reported in population-based cohorts in the Genome Aggregation Database (gnomAD). This variant was reported in individual(s) with features consistent with CRASH syndrome (Saugier-Veber, 1998; external communication). This amino acid position is highly conserved in available vertebrate species. In multiple assays testing L1CAM function, this variant showed functionally abnormal results (Patzke, 2016; Bechara, 2008; Nishimura, 2003; Thelen, 2002; Needham, 2001). This alteration is predicted to be deleterious by in silico analysis. Based on the available evidence, this alteration is classified as likely pathogenic.

GeneDx
Classification: Pathogenic. Last evaluated: 2025-07-30. Review status: criteria provided, single submitter. Criteria: GeneDx Variant Classification Process June 2021. Collection method: clinical testing. Allele origin: germline.
Comment: Published functional studies demonstrate a damaging effect, with the variant leading to reduced total ankyrin levels impacting neuronal development of normal axons and dendrites (PMID: 27001749); Not observed at significant frequency in large population cohorts (gnomAD); In silico analysis supports that this missense variant has a deleterious effect on protein structure/function; This variant is associated with the following publications: (PMID: 11222639, 14657231, 12077189, 32034889, 9744477, 25641508, 27001749)

Women's Health and Genetics/Laboratory Corporation of America, LabCorp
Classification: Likely pathogenic for L1 syndrome. Last evaluated: 2024-11-27. Review status: criteria provided, single submitter. Criteria: LabCorp Variant Classification Summary - May 2015. Collection method: clinical testing. Allele origin: germline.
Comment: Variant summary: L1CAM c.3671C>T (p.Ser1224Leu) results in a non-conservative amino acid change in the encoded protein sequence. Five of five in-silico tools predict a damaging effect of the variant on protein function. The variant was absent in 181744 control chromosomes. c.3671C>T has been reported in the literature in a hemizygous individual affected with L1 Syndrome (Saugier-Veber_1998). At least one publication reports experimental evidence evaluating an impact on protein function. The most pronounced variant effect results in inability of this mutant protein to rescue reduced ankyrinG and ankyrinB levels caused by L1CAM-deficiency in cultured human neuronal ES cells (Patzke_2016). The following publications have been ascertained in the context of this evaluation (PMID: 9744477, 27001749). ClinVar contains an entry for this variant (Variation ID: 1697985). Based on the evidence outlined above, the variant was classified as likely pathogenic.

PreventionGenetics, part of Exact Sciences
Classification: Likely pathogenic for L1CAM-related condition. Last evaluated: 2023-08-26. Review status: criteria provided, single submitter. Criteria: ACMG Guidelines, 2015. Collection method: clinical testing. Allele origin: germline.
Comment: The L1CAM c.3671C>T variant is predicted to result in the amino acid substitution p.Ser1224Leu. This variant was reported in an individual with hydrocephalus-stenosis of the aqueduct of Sylvius (Table 1 in Saugier-Veber et al 1998. PubMed ID: 9744477). A functional study demonstrated that this variant may contribute to improper neuron development due to ankyrin depletion (Patzke et al 2016. PubMed ID: 27001749). This variant has not been reported in a large population database, indicating this variant is rare. This variant is interpreted as likely pathogenic.

Literature cited by the submitters: PubMed 9744477 (cited by Ambry Genetics and Women's Health and Genetics/Laboratory Corporation of America, LabCorp); PubMed 11222639 (cited by Ambry Genetics); PubMed 12077189 (cited by Ambry Genetics); PubMed 14657231 (cited by Ambry Genetics); PubMed 18464795 (cited by Ambry Genetics); PubMed 27001749 (cited by Ambry Genetics and Women's Health and Genetics/Laboratory Corporation of America, LabCorp).